The following is an entry in ClinVar:

NM_018344.6(SLC29A3):c.247C>T (p.Arg83Cys)

Gene: SLC29A3 (solute carrier family 29 member 3; plus strand). Cytogenetic location: 10q22.1.
Variant type: single nucleotide variant.
Coding change: c.247C>T on transcript NM_018344.6 (MANE Select); coding-DNA position 247, C replaced by T.
Protein change: p.Arg83Cys; replaces arginine 83 with cysteine.
Molecular consequence: missense variant. On other transcripts: non-coding transcript variant (2).
Genome position (GRCh38, 1-based): chr10:71,323,001, C>T. VCF-style: chr10-71323001-C-T. GRCh37 (hg19) VCF-style: chr10-73082758-C-T.
Other names: c.247C>T, p.Arg83Cys (NM_001174098.2); c.13C>T, p.Arg5Cys (NM_001363518.2); short protein forms R83C, R5C.
Identifiers: ClinVar variation 1407368 (VCV001407368.4), dbSNP rs773118427, ClinGen allele CA5542854.

ClinVar aggregate classification (germline): Uncertain significance. Review status: criteria provided, multiple submitters, no conflicts (2 of 4 stars). 2 submissions from 2 submitters: Uncertain significance (2). Last evaluated 2024-08-28.

Conditions:
H syndrome. Also called: Histiocytosis with joint contractures and sensorineural deafness; FAISALABAD HISTIOCYTOSIS; Pigmented hypertrichosis and insulin-dependent diabetes mellitus; HISTIOCYTOSIS AND LYMPHADENOPATHY WITH OR WITHOUT CUTANEOUS, CARDIAC, AND/OR ENDOCRINE FEATURES, JOINT CONTRACTURES, AND/OR DEAFNESS; HYPERPIGMENTATION, CUTANEOUS, WITH HYPERTRICHOSIS, HEPATOSPLENOMEGALY, HEART ANOMALIES, AND HYPOGONADISM WITH OR WITHOUT HEARING LOSS; PIGMENTED HYPERTRICHOSIS WITH INSULIN-DEPENDENT DIABETES MELLITUS. Identifiers: Orphanet 168569, MedGen C1864445, MONDO:0011273, OMIM 602782.

Allele frequency attached by ClinVar (database versions not stated): gnomAD 0.00003 and 0.00004; TOPMed 0.00004; gnomAD exomes 0.00005 and 0.00009; ExAC 0.00007.

Submissions (2):

Blueprint Genetics
Classification: Uncertain significance. Last evaluated: 2024-08-28. Review status: criteria provided, single submitter. Criteria: ACMG Guidelines, 2015. Collection method: clinical testing. Allele origin: germline.

Labcorp Genetics (formerly Invitae), Labcorp
Classification: Uncertain significance for H syndrome. Last evaluated: 2022-01-26. Review status: criteria provided, single submitter. Criteria: Invitae Variant Classification Sherloc (09022015). Collection method: clinical testing. Allele origin: germline.
Comment: This sequence change replaces arginine, which is basic and polar, with cysteine, which is neutral and slightly polar, at codon 83 of the SLC29A3 protein (p.Arg83Cys). This variant is present in population databases (rs773118427, gnomAD 0.01%). This variant has not been reported in the literature in individuals affected with SLC29A3-related conditions. Algorithms developed to predict the effect of missense changes on protein structure and function are either unavailable or do not agree on the potential impact of this missense change (SIFT: "Deleterious"; PolyPhen-2: "Benign"; Align-GVGD: "Class C15"). In summary, the available evidence is currently insufficient to determine the role of this variant in disease. Therefore, it has been classified as a Variant of Uncertain Significance.